The following is an entry in ClinVar:

ClinVar aggregate classification (germline): Likely benign (0 of 4 stars; one submission).

Conditions:
PLXNA4-related disorder. Also called: PLXNA4-related condition.

gnomAD v4.1: 1 of 1,614,214 alleles (0.000062%); highest among the groups gnomAD compares: African/African-American, 0.0013%; no homozygotes.

Submission:

PreventionGenetics, part of Exact Sciences
Classification: Likely benign for PLXNA4-related condition. Last evaluated: 2024-03-06. Review status: no assertion criteria provided. Collection method: clinical testing. Allele origin: germline.
Comment: This variant is classified as likely benign based on ACMG/AMP sequence variant interpretation guidelines (Richards et al. 2015 PMID: 25741868, with internal and published modifications).

NM_020911.2(PLXNA4):c.1017C>T (p.Phe339=)

Gene: PLXNA4 (plexin A4; minus strand). Cytogenetic location: 7q32.3.
Variant type: single nucleotide variant.
Coding change: c.1017C>T on transcript NM_020911.2 (MANE Select); coding-DNA position 1017, C replaced by T.
Protein change: p.Phe339=; no amino-acid change (phenylalanine 339 retained).
Molecular consequence: synonymous variant.
Genome position (GRCh38, 1-based): chr7:132,507,677, G>A on the plus strand (C>T on the coding strand, the complement: PLXNA4 is on the minus strand). VCF-style: chr7-132507677-G-A. GRCh37 (hg19) VCF-style: chr7-132192436-G-A.
Other names: c.1017C>T, p.Phe339= (NM_001105543.2, NM_001393897.1, NM_181775.4).
Identifiers: ClinVar variation 3348963 (VCV003348963.1).